The following is an entry in ClinVar:

NM_003705.5(SLC25A12):c.325+5G>T

Gene: SLC25A12 (solute carrier family 25 member 12; minus strand). Cytogenetic location: 2q31.1.
Variant type: single nucleotide variant.
Coding change: c.325+5G>T on transcript NM_003705.5 (MANE Select); 5 bases into the intron after coding-DNA position 325, G replaced by T.
Molecular consequence: intron variant.
Genome position (GRCh38, 1-based): chr2:171,855,829, C>A on the plus strand (G>T on the coding strand, the complement: SLC25A12 is on the minus strand). VCF-style: chr2-171855829-C-A. GRCh37 (hg19) VCF-style: chr2-172712339-C-A.
Identifiers: ClinVar variation 2004694 (VCV002004694.4), dbSNP rs2545255365, ClinGen allele CA2580064506.

ClinVar aggregate classification (germline): Uncertain significance (1 of 4 stars; one submission).

Submission:

Labcorp Genetics (formerly Invitae), Labcorp
Classification: Uncertain significance. Last evaluated: 2022-06-11. Review status: criteria provided, single submitter. Criteria: Invitae Variant Classification Sherloc (09022015). Collection method: clinical testing. Allele origin: germline.
Comment: This variant has not been reported in the literature in individuals affected with SLC25A12-related conditions. This variant is not present in population databases (gnomAD no frequency). This sequence change falls in intron 4 of the SLC25A12 gene. It does not directly change the encoded amino acid sequence of the SLC25A12 protein. It affects a nucleotide within the consensus splice site. Variants that disrupt the consensus splice site are a relatively common cause of aberrant splicing (PMID: 17576681, 9536098). Algorithms developed to predict the effect of sequence changes on RNA splicing suggest that this variant may disrupt the consensus splice site. In summary, the available evidence is currently insufficient to determine the role of this variant in disease. Therefore, it has been classified as a Variant of Uncertain Significance.

Literature cited by the submitters: PubMed 17576681; PubMed 9536098.